The following is an entry in ClinVar:

NM_144701.3(IL23R):c.1801G>A (p.Val601Met)

Gene: IL23R (interleukin 23 receptor; plus strand). Cytogenetic location: 1p31.3.
Variant type: single nucleotide variant.
Coding change: c.1801G>A on transcript NM_144701.3 (MANE Select); coding-DNA position 1801, G replaced by A.
Protein change: p.Val601Met; replaces valine 601 with methionine.
Molecular consequence: missense variant.
Genome position (GRCh38, 1-based): chr1:67,259,039, G>A. VCF-style: chr1-67259039-G-A. GRCh37 (hg19) VCF-style: chr1-67724722-G-A.
Other names: c.1801G>A (NM_144701.2); short protein forms V601M.
Identifiers: ClinVar variation 3613114 (VCV003613114.3).

ClinVar aggregate classification (germline): Conflicting classifications of pathogenicity. Review status: criteria provided, conflicting classifications (1 of 4 stars). 2 submissions from 2 submitters: Uncertain significance (1); Likely benign (1). Last evaluated 2025-03-28.

gnomAD v4.1: 17 of 1,613,846 alleles (0.0011%); highest among the groups gnomAD compares: East Asian, 0.0045%; no homozygotes.

Submissions (2):

Ambry Genetics
Classification: Likely benign. Last evaluated: 2025-03-28. Review status: criteria provided, single submitter. Criteria: Ambry Variant Classification Scheme 2023. Collection method: clinical testing. Allele origin: germline.

Labcorp Genetics (formerly Invitae), Labcorp
Classification: Uncertain significance. Last evaluated: 2024-04-25. Review status: criteria provided, single submitter. Criteria: Invitae Variant Classification Sherloc (09022015). Collection method: clinical testing. Allele origin: germline.
Comment: This sequence change replaces valine, which is neutral and non-polar, with methionine, which is neutral and non-polar, at codon 601 of the IL23R protein (p.Val601Met). This variant is present in population databases (rs755379895, gnomAD 0.003%). This variant has not been reported in the literature in individuals affected with IL23R-related conditions. Algorithms developed to predict the effect of missense changes on protein structure and function output the following: SIFT: "Not Available"; PolyPhen-2: "Benign"; Align-GVGD: "Not Available". The methionine amino acid residue is found in multiple mammalian species, which suggests that this missense change does not adversely affect protein function. In summary, the available evidence is currently insufficient to determine the role of this variant in disease. Therefore, it has been classified as a Variant of Uncertain Significance.